The following is an entry in ClinVar:

NM_003482.4(KMT2D):c.7541A>C (p.Gln2514Pro)

Gene: KMT2D (lysine methyltransferase 2D; minus strand). Cytogenetic location: 12q13.12.
Variant type: single nucleotide variant.
Coding change: c.7541A>C on transcript NM_003482.4 (MANE Select); coding-DNA position 7541, A replaced by C.
Protein change: p.Gln2514Pro; replaces glutamine 2514 with proline.
Molecular consequence: missense variant.
Genome position (GRCh38, 1-based): chr12:49,040,229, T>G on the plus strand (A>C on the coding strand, the complement: KMT2D is on the minus strand). VCF-style: chr12-49040229-T-G. GRCh37 (hg19) VCF-style: chr12-49434012-T-G.
Other names: short protein forms Q2514P.
Identifiers: ClinVar variation 2635625 (VCV002635625.1), dbSNP rs2120524674, ClinGen allele CA384747500.
Genomic context (GRCh38, chr12:49,040,229, plus strand): 5'-ATGGGAGAGGGGGTGCCCACAAATGCACCCGTCCCAGGGGACCGGACAAAATTGGGGGGC[T>G]GCCCACTTGGGACCTTGGCATGGAGCTCACCTGCTGGCCCCGCGGGCAGGGCTGCTGGGA-3'
Protein context (NP_003473.3, residues 2504-2524): GELHAKVPSG[Gln2514Pro]PPNFVRSPGT

ClinVar aggregate classification (germline): Uncertain significance (1 of 4 stars; one submission).

Conditions:
KMT2D-related disorder. Also called: KMT2D-Related Disorders.

Submission:

PreventionGenetics, part of Exact Sciences
Classification: Uncertain significance for KMT2D-related condition. Last evaluated: 2022-11-19. Review status: criteria provided, single submitter. Criteria: ACMG Guidelines, 2015. Collection method: clinical testing. Allele origin: germline.
Comment: The KMT2D c.7541A>C variant is predicted to result in the amino acid substitution p.Gln2514Pro. To our knowledge, this variant has not been reported in the literature or in a large population database, indicating this variant is rare. At this time, the clinical significance of this variant is uncertain due to the absence of conclusive functional and genetic evidence.